The following is an entry in ClinVar:

ClinVar aggregate classification (germline): Uncertain significance. Review status: criteria provided, multiple submitters, no conflicts (2 of 4 stars). 4 submissions from 4 submitters: Uncertain significance (4). Last evaluated 2025-04-22.

Conditions:
Inborn genetic diseases. Identifiers: MedGen C0950123, MeSH D030342.

Allele frequency attached by ClinVar (database versions not stated): 1000 Genomes Project 30x 0.00016; ExAC 0.00016; gnomAD 0.00016 and 0.00017; TOPMed 0.00016; gnomAD exomes 0.00018; 1000 Genomes Project 0.00020; ESP Exome Variant Server 0.00024.
gnomAD v4.1: 238 of 1,614,040 alleles (0.015%); highest among the groups gnomAD compares: Non-Finnish European, 0.018%; no homozygotes.

Submissions (4):

GeneDx
Classification: Uncertain significance. Last evaluated: 2025-04-22. Review status: criteria provided, single submitter. Criteria: GeneDx Variant Classification Process June 2021. Collection method: clinical testing. Allele origin: germline. Affected: yes.
Comment: In silico analysis indicates that this missense variant does not alter protein structure/function; Has not been previously published as pathogenic or benign to our knowledge

Labcorp Genetics (formerly Invitae), Labcorp
Classification: Uncertain significance. Last evaluated: 2024-12-16. Review status: criteria provided, single submitter. Criteria: Invitae Variant Classification Sherloc (09022015). Collection method: clinical testing. Allele origin: germline.
Comment: This sequence change replaces methionine, which is neutral and non-polar, with isoleucine, which is neutral and non-polar, at codon 986 of the CCDC88C protein (p.Met986Ile). This variant is present in population databases (rs182438780, gnomAD 0.04%). This variant has not been reported in the literature in individuals affected with CCDC88C-related conditions. ClinVar contains an entry for this variant (Variation ID: 585626). An algorithm developed to predict the effect of missense changes on protein structure and function (PolyPhen-2) suggests that this variant¬†is likely to be tolerated. In summary, the available evidence is currently insufficient to determine the role of this variant in disease. Therefore, it has been classified as a Variant of Uncertain Significance.

Ambry Genetics
Classification: Uncertain significance for Inborn genetic diseases. Last evaluated: 2021-01-13. Review status: criteria provided, single submitter. Criteria: Ambry Variant Classification Scheme 2023. Collection method: clinical testing. Allele origin: germline.

Athena Diagnostics
Classification: Uncertain significance. Last evaluated: 2017-09-30. Review status: criteria provided, single submitter. Criteria: Athena Diagnostics Criteria. Collection method: clinical testing. Allele origin: germline.

NM_001080414.4(CCDC88C):c.2958G>A (p.Met986Ile)

Gene: CCDC88C (coiled-coil domain containing 88C; minus strand). Cytogenetic location: 14q32.11.
Variant type: single nucleotide variant.
Coding change: c.2958G>A on transcript NM_001080414.4 (MANE Select); coding-DNA position 2958, G replaced by A.
Protein change: p.Met986Ile; replaces methionine 986 with isoleucine.
Molecular consequence: missense variant.
Genome position (GRCh38, 1-based): chr14:91,308,399, C>T on the plus strand (G>A on the coding strand, the complement: CCDC88C is on the minus strand). VCF-style: chr14-91308399-C-T. GRCh37 (hg19) VCF-style: chr14-91774743-C-T.
Other names: c.2958G>A (NM_001080414.3); short protein forms M986I.
Identifiers: ClinVar variation 585626 (VCV000585626.8), dbSNP rs182438780, ClinGen allele CA7309498.
Genomic context (GRCh38, chr14:91,308,399, plus strand): 5'-CTCCACACTCACCATCTGCAGCTCACTCTCTAACTGGCGATTTAGGCTCGCTTTCTCTTC[C>T]ATCTGTGCTTCTAAGAGCACAATCTTTTCTTCTTTCATGGCTAGTGTTGTTTTTAATGCT-3'
Protein context (NP_001073883.2, residues 976-996): EEKIVLLEAQ[Met986Ile]EEKASLNRQL